The following is an entry in ClinVar:

NM_002547.3(OPHN1):c.1008C>T (p.Asp336=)

Gene: OPHN1 (oligophrenin 1; minus strand). Cytogenetic location: Xq12.
Variant type: single nucleotide variant.
Coding change: c.1008C>T on transcript NM_002547.3 (MANE Select); coding-DNA position 1008, C replaced by T.
Protein change: p.Asp336=; no amino-acid change (aspartic acid 336 retained).
Molecular consequence: synonymous variant.
Genome position (GRCh38, 1-based): chrX:68,201,636, G>A on the plus strand (C>T on the coding strand, the complement: OPHN1 is on the minus strand). VCF-style: chrX-68201636-G-A. GRCh37 (hg19) VCF-style: chrX-67421478-G-A.
Other names: c.1008C>T (NM_002547.2).
Identifiers: ClinVar variation 500606 (VCV000500606.46), dbSNP rs780149034, ClinGen allele CA10437007.
Genomic context (GRCh38, chrX:68,201,636, plus strand): 5'-CTGGCACGTGGGGACATTGCCAATTCACAGCGGCACAGCTTACCTTTCATTAGTTTCTAT[G>A]TCAAAACAGAACCTCTTGTCGATAGACTCCGTCTTCCTTCTCACACAGTACTTCAGTGTT-3'
Protein context (NP_002538.1, residues 326-346): TESIDKRFCF[Asp336=]IETNERPGTI

ClinVar aggregate classification (germline): Benign/Likely benign. Review status: criteria provided, multiple submitters, no conflicts (2 of 4 stars). 5 submissions from 5 submitters: Benign (3); Likely benign (2). Last evaluated 2025-08-26.

Allele frequency attached by ClinVar (database versions not stated): gnomAD 0.00003 and 0.00010; TOPMed 0.00006; gnomAD exomes 0.00013 and 0.00017; 1000 Genomes Project 30x 0.00021; ExAC 0.00022; 1000 Genomes Project 0.00026.
gnomAD v4.1: 154 of 1,208,182 alleles (0.013%); highest among the groups gnomAD compares: South Asian, 0.14%; 2 homozygotes.

Submissions (5):

Athena Diagnostics
Classification: Benign. Last evaluated: 2025-08-26. Review status: criteria provided, single submitter. Criteria: Athena Diagnostics Criteria. Collection method: clinical testing. Allele origin: unknown.
Comment: The frequency of this variant in the general population is higher than would generally be expected for pathogenic variants in this gene.

Labcorp Genetics (formerly Invitae), Labcorp
Classification: Benign. Last evaluated: 2025-03-17. Review status: criteria provided, single submitter. Criteria: Invitae Variant Classification Sherloc (09022015). Collection method: clinical testing. Allele origin: germline.

Blueprint Genetics
Classification: Likely benign. Last evaluated: 2024-03-25. Review status: criteria provided, single submitter. Criteria: ACMG Guidelines, 2015. Collection method: clinical testing. Allele origin: germline.

CeGaT Center for Human Genetics Tuebingen
Classification: Likely benign. Last evaluated: 2020-12-01. Review status: criteria provided, single submitter. Criteria: CeGaT Center For Human Genetics Tuebingen Variant Classification Criteria Version 2. Collection method: clinical testing. Allele origin: germline. Affected: yes. Observed: 1 variant allele.

Eurofins Ntd Llc (ga)
Classification: Benign. Last evaluated: 2017-03-15. Review status: criteria provided, single submitter. Criteria: EGL Classification Definitions 2015. Collection method: clinical testing. Allele origin: germline. Observed: 1 variant allele, 1 hemizygote.